The following is an entry in ClinVar:

NM_014423.4(AFF4):c.41G>A (p.Arg14Gln)

Gene: AFF4 (ALF transcription elongation factor 4; minus strand). Cytogenetic location: 5q31.1.
Variant type: single nucleotide variant.
Coding change: c.41G>A on transcript NM_014423.4 (MANE Select); coding-DNA position 41, G replaced by A.
Protein change: p.Arg14Gln; replaces arginine 14 with glutamine.
Molecular consequence: missense variant.
Genome position (GRCh38, 1-based): chr5:132,937,149, C>T on the plus strand (G>A on the coding strand, the complement: AFF4 is on the minus strand). VCF-style: chr5-132937149-C-T. GRCh37 (hg19) VCF-style: chr5-132272841-C-T.
Other names: short protein forms R14Q.
Identifiers: ClinVar variation 2179969 (VCV002179969.4), dbSNP rs770805087, ClinGen allele CA3409523.

ClinVar aggregate classification (germline): Uncertain significance (1 of 4 stars; one submission).

Conditions:
Cognitive impairment - coarse facies - heart defects - obesity - pulmonary involvement - short stature - skeletal dysplasia syndrome. Also called: COGNITIVE IMPAIRMENT, COARSE FACIES, HEART DEFECTS, OBESITY, PULMONARY INVOLVEMENT, SHORT STATURE, AND SKELETAL DYSPLASIA; Chops syndrome; AFF4-Related CHOPS Syndrome. Identifiers: Orphanet 444077, MedGen C4085597, MONDO:0014609, OMIM 616368.

Allele frequency attached by ClinVar (database versions not stated): TOPMed below 0.00001; ExAC 0.00001; gnomAD 0.00001; gnomAD exomes 0.00002.

Submission:

Labcorp Genetics (formerly Invitae), Labcorp
Classification: Uncertain significance for Cognitive impairment - coarse facies - heart defects - obesity - pulmonary involvement - short stature - skeletal dysplasia syndrome. Last evaluated: 2022-09-21. Review status: criteria provided, single submitter. Criteria: Invitae Variant Classification Sherloc (09022015). Collection method: clinical testing. Allele origin: germline.
Comment: In summary, the available evidence is currently insufficient to determine the role of this variant in disease. Therefore, it has been classified as a Variant of Uncertain Significance. Advanced modeling of protein sequence and biophysical properties (such as structural, functional, and spatial information, amino acid conservation, physicochemical variation, residue mobility, and thermodynamic stability) has been performed at Invitae for this missense variant, however the output from this modeling did not meet the statistical confidence thresholds required to predict the impact of this variant on AFF4 protein function. This sequence change replaces arginine, which is basic and polar, with glutamine, which is neutral and polar, at codon 14 of the AFF4 protein (p.Arg14Gln). This variant is present in population databases (rs770805087, gnomAD 0.005%). This variant has not been reported in the literature in individuals affected with AFF4-related conditions.